The following is an entry in ClinVar:

ClinVar aggregate classification (germline): Pathogenic (1 of 4 stars; one submission).

Conditions:
Cataract 38. Also called: Cataract, autosomal recessive congenital 5; Cataract 38, autosomal recessive. Identifiers: Orphanet 91492, MedGen C3553494, MONDO:0013859, OMIM 614691.
Sengers syndrome. Also called: MITOCHONDRIAL DNA DEPLETION SYNDROME 10 (CARDIOMYOPATHIC TYPE); Cardiomyopathy and cataract. Identifiers: Orphanet 1369, MedGen C1859317, MONDO:0008922, OMIM 212350.

gnomAD v4.1: 1 of 1,611,364 alleles (0.000062%); highest among the groups gnomAD compares: East Asian, 0.0022%; no homozygotes.

Submission:

Juno Genomics, Hangzhou Juno Genomics, Inc
Classification: Pathogenic for Sengers syndrome; Cataract 38. Review status: criteria provided, single submitter. Criteria: ACMG Guidelines, 2015. Collection method: clinical testing. Allele origin: germline. Affected: yes.
Comment: Absent from controls (or at extremely low frequency if recessive) in Genome Aggregation Database.;Null variant in a gene where loss of function (LOF) is a known mechanism of disease.;Patient's phenotype or family history is highly specific for a disease with a single genetic etiology.

NM_018238.4(AGK):c.732G>A (p.Trp244Ter)

Gene: AGK (acylglycerol kinase; plus strand). Cytogenetic location: 7q34.
Variant type: single nucleotide variant.
Coding change: c.732G>A on transcript NM_018238.4 (MANE Select); coding-DNA position 732, G replaced by A.
Protein change: p.Trp244Ter; replaces tryptophan 244 with a stop codon.
Molecular consequence: nonsense.
Genome position (GRCh38, 1-based): chr7:141,641,253, G>A. VCF-style: chr7-141641253-G-A. GRCh37 (hg19) VCF-style: chr7-141341053-G-A.
Other names: c.732G>A, p.Trp244Ter (NM_001364948.3); short protein forms W244*.
Identifiers: ClinVar variation 5019989 (VCV005019989.1).